The following is an entry in ClinVar:

NM_013245.3(VPS4A):c.292G>T (p.Asp98Tyr)

Gene: VPS4A (vacuolar protein sorting 4 homolog A; plus strand). Cytogenetic location: 16q22.1.
Variant type: single nucleotide variant.
Coding change: c.292G>T on transcript NM_013245.3 (MANE Select); coding-DNA position 292, G replaced by T.
Protein change: p.Asp98Tyr; replaces aspartic acid 98 with tyrosine.
Molecular consequence: missense variant.
Genome position (GRCh38, 1-based): chr16:69,318,660, G>T. VCF-style: chr16-69318660-G-T. GRCh37 (hg19) VCF-style: chr16-69352563-G-T.
Other names: short protein forms D98Y.
Identifiers: ClinVar variation 3372810 (VCV003372810.1).

ClinVar aggregate classification (germline): Uncertain significance (1 of 4 stars; one submission).

gnomAD v4.1: 1 of 1,610,942 alleles (0.000062%); highest among the groups gnomAD compares: South Asian, 0.0011%; no homozygotes.

Submission:

GeneDx
Classification: Uncertain significance. Last evaluated: 2024-04-21. Review status: criteria provided, single submitter. Criteria: GeneDx Variant Classification Process June 2021. Collection method: clinical testing. Allele origin: germline. Affected: yes.
Comment: Not observed at significant frequency in large population cohorts (gnomAD); In silico analysis supports that this missense variant has a deleterious effect on protein structure/function; Has not been previously published as pathogenic or benign to our knowledge